The following is an entry in ClinVar:

NM_000380.4(XPA):c.428_429del (p.Glu143fs)

Gene: XPA (XPA, DNA damage recognition and repair factor; minus strand). Cytogenetic location: 9q22.33.
Variant type: Microsatellite.
Coding change: c.428_429del on transcript NM_000380.4 (MANE Select); coding-DNA positions 428 to 429, 2 bases deleted (AG; older notation c.428_429delAG).
Protein change: p.Glu143fs; shifts the reading frame from glutamic acid 143.
Molecular consequence: frameshift variant. On other transcripts: non-coding transcript variant (4).
Genome position (GRCh38, 1-based): chr9:97,687,222-97,687,223, CT deleted on the plus strand (AG on the coding strand, the reverse complement: XPA is on the minus strand); deleting any 2 consecutive bases within chr9:97,687,222-97,687,225 gives the same sequence; the c. name uses the placement nearest the transcript's 3' end. VCF-style (leftmost placement, unchanged base first): chr9-97687221-CCT-C. GRCh37 (hg19) VCF-style: chr9-100449503-CCT-C.
Other names: c.428_429delAG (NM_000380.3); c.302_303del, p.Glu101fs (NM_001354975.2); short protein forms E101fs, E143fs.
Identifiers: ClinVar variation 555051 (VCV000555051.14), dbSNP rs1554701540, ClinGen allele CA658821491.
Genomic context (GRCh38, chr9:97,687,221, plus strand): 5'-ATTTAAGAGGTGGCTCTCTTTTTTCTAAATCACAGTCTTTCAGAAGATATTCTTGTTTTG[CCT>C]CTGTTTTGGTTATAAGCTTGTGTTTATCATCAGCATCTCTGAAAACAGATTAAGTCCATT-3'

ClinVar aggregate classification (germline): Pathogenic/Likely pathogenic. Review status: criteria provided, multiple submitters, no conflicts (2 of 4 stars). 6 submissions from 6 submitters: Pathogenic (4); Likely pathogenic (1). 1 of the submissions does not count toward it. Last evaluated 2023-11-27.

Conditions:
Xeroderma pigmentosum group A (XPA). Also called: Xeroderma pigmentosum, complementation group A; XP, group A; XPA-Related Xeroderma Pigmentosum. Identifiers: Orphanet 910, MedGen C0268135, MONDO:0010210, OMIM 278700.
Xeroderma pigmentosum (XP). Identifiers: Orphanet 910, MedGen C0043346, MONDO:0019600.

Submissions (6):

Baylor Genetics
Classification: Pathogenic for Xeroderma pigmentosum group A. Last evaluated: 2023-11-27. Review status: criteria provided, single submitter. Criteria: ACMG Guidelines, 2015. Collection method: clinical testing. Allele origin: unknown.

Labcorp Genetics (formerly Invitae), Labcorp
Classification: Pathogenic. Last evaluated: 2023-09-04. Review status: criteria provided, single submitter. Criteria: Invitae Variant Classification Sherloc (09022015). Collection method: clinical testing. Allele origin: germline.
Comment: This premature translational stop signal has been observed in individual(s) with clinical features of xeroderma pigmentosum (PMID: 25566891). For these reasons, this variant has been classified as Pathogenic. Algorithms developed to predict the effect of sequence changes on RNA splicing suggest that this variant may disrupt the consensus splice site. ClinVar contains an entry for this variant (Variation ID: 555051). This variant is not present in population databases (gnomAD no frequency). This sequence change creates a premature translational stop signal (p.Glu143Glyfs*11) in the XPA gene. It is expected to result in an absent or disrupted protein product. Loss-of-function variants in XPA are known to be pathogenic (PMID: 27607234).

Sema4
Classification: Likely pathogenic for Xeroderma pigmentosum. Last evaluated: 2021-11-02. Review status: criteria provided, single submitter. Criteria: Sema4 Curation Guidelines. Collection method: curation. Allele origin: germline.
Comment: The XPA c.428_429delAG (p.E143GfsX11) variant has been reported as homozygous in at least two individuals with xeroderma pigmentosum (PMID: 25566891). This variant causes a frameshift at amino acid 143 that results in premature termination 11 amino acids downstream. At this location, the variant is predicted to cause loss of normal protein function through nonsense-mediated mRNA decay or protein truncation. Loss of function variants in XPA are known to be pathogenic (PMID: 10447254). This variant is not reported in the population database Genome Aggregation Database (PMID: 32461654), but has been reported in ClinVar (Variation ID: 555051). Based on the current evidence available, this variant is interpreted as likely pathogenic.

Juno Genomics, Hangzhou Juno Genomics, Inc
Classification: Pathogenic for Xeroderma pigmentosum group A. Review status: criteria provided, single submitter. Criteria: ACMG Guidelines, 2015. Collection method: clinical testing. Allele origin: germline.
Comment: Absent from controls (or at extremely low frequency if recessive) in Genome Aggregation Database.;Null variant in a gene where loss of function (LOF) is a known mechanism of disease.;For recessive disorders, detected in trans with a pathogenic variant.

Kasturba Medical College, Manipal, Kasturba Medical College, Manipal, Manipal Academy of Higher Education, Manipal, India
Classification: Pathogenic for Xeroderma pigmentosum group A. Review status: criteria provided, single submitter. Criteria: ACMG Guidelines, 2015. Collection method: research. Allele origin: inherited. Affected: yes.

Counsyl
Classification: Likely pathogenic for Xeroderma pigmentosum group A. Last evaluated: 2017-11-15. Review status: no assertion criteria provided. Collection method: clinical testing. Allele origin: unknown. Not counted in ClinVar's aggregate classification.

Literature cited by the submitters: PubMed 25566891 (cited by 3 submitters); PubMed 27607234 (cited by Labcorp Genetics (formerly Invitae), Labcorp); PubMed 10447254 (cited by Sema4).